The following is an entry in ClinVar:

NM_000368.5(TSC1):c.1333+4A>G

Gene: TSC1 (TSC complex subunit 1; minus strand). Cytogenetic location: 9q34.13.
Variant type: single nucleotide variant.
Coding change: c.1333+4A>G on transcript NM_000368.5 (MANE Select); 4 bases into the intron after coding-DNA position 1333, A replaced by G.
Molecular consequence: intron variant.
Genome position (GRCh38, 1-based): chr9:132,907,297, T>C on the plus strand (A>G on the coding strand, the complement: TSC1 is on the minus strand). VCF-style: chr9-132907297-T-C. GRCh37 (hg19) VCF-style: chr9-135782684-T-C.
Other names: c.967+4A>G (NM_001406620.1, NM_001406625.1, NM_001406621.1 and 2 more transcripts); c.970+4A>G (NM_001406618.1, NM_001406617.1, NM_001406619.1 and 5 more transcripts); c.1177+4A>G (NM_001406613.1, NM_001406612.1, NM_001406611.1); c.1180+4A>G (NM_001406610.1, NM_001162427.2); c.379+4A>G (NM_001406627.1, NM_001406628.1); c.280+4A>G (NM_001406629.1, NM_001406630.1); c.1330+4A>G (NM_001406603.1, NM_001406609.1, NM_001406597.1 and 6 more transcripts); c.1333+4A>G (NM_001406602.1, NM_001406606.1, NM_001406592.1 and 7 more transcripts); and 1 more.
Identifiers: ClinVar variation 3625805 (VCV003625805.2).
Genomic context (GRCh38, chr9:132,907,297, plus strand): 5'-TCTTAAACACATATAACCCAATTAGAAGAGGCAAGCAAGGCCTGTAGTAACGCAGAAATT[T>C]TACCTGATCCTCTGTCATTCAGAAGATGGTGTTGTCTGTGTAGACATGGTCTTGCAGAAT-3'

ClinVar aggregate classification (germline): Uncertain significance (1 of 4 stars; one submission).

Conditions:
Tuberous sclerosis 1 (TSC1). Identifiers: Orphanet 805, MedGen C1854465, MONDO:0008612, OMIM 191100.

gnomAD v4.1: 2 of 1,613,740 alleles (0.00012%); highest among the groups gnomAD compares: Non-Finnish European, 0.00017%; no homozygotes.

Submission:

Labcorp Genetics (formerly Invitae), Labcorp
Classification: Uncertain significance for Tuberous sclerosis 1. Last evaluated: 2025-11-03. Review status: criteria provided, single submitter. Criteria: Invitae Variant Classification Sherloc (09022015). Collection method: clinical testing. Allele origin: germline.
Comment: This sequence change falls in intron 13 of the TSC1 gene. It does not directly change the encoded amino acid sequence of the TSC1 protein. It affects a nucleotide within the consensus splice site. This variant is not present in population databases (gnomAD no frequency). This variant has not been reported in the literature in individuals affected with TSC1-related conditions. ClinVar contains an entry for this variant (Variation ID: 3625805). Variants that disrupt the consensus splice site are a relatively common cause of aberrant splicing (PMID: 17576681, 9536098). Algorithms developed to predict the effect of sequence changes on RNA splicing suggest that this variant is not likely to affect RNA splicing. In summary, the available evidence is currently insufficient to determine the role of this variant in disease. Therefore, it has been classified as a Variant of Uncertain Significance.

Literature cited by the submitters: PubMed 17576681; PubMed 9536098.